The following is an entry in ClinVar:

ClinVar aggregate classification (germline): Pathogenic (1 of 4 stars; one submission).

Conditions:
Developmental delay, hypotonia, musculoskeletal defects, and behavioral abnormalities. Identifiers: MedGen C5562012, MONDO:0859202, OMIM 619595.

Submission:

Institute of Human Genetics, University of Leipzig Medical Center
Classification: Pathogenic for Developmental delay, hypotonia, musculoskeletal defects, and behavioral abnormalities. Last evaluated: 2024-05-15. Review status: criteria provided, single submitter. Criteria: ACMG Guidelines, 2015. Collection method: clinical testing. Allele origin: de novo. Inheritance: Autosomal dominant inheritance. Affected: yes.
Comment: Criteria applied: PVS1,PS2_MOD,PM2_SUP

NM_006662.3(SRCAP):c.2298_2300+3del

Gene: SRCAP (Snf2 related CREBBP activator protein; plus strand). Cytogenetic location: 16p11.2.
Variant type: Deletion.
Coding change: c.2298_2300+3del on transcript NM_006662.3 (MANE Select); coding-DNA position 2298 through 3 bases into the intron after coding-DNA position 2300, 6 bases deleted (CAGGTG; older notation c.2298_2300+3delCAGGTG).
Molecular consequence: splice donor variant.
Genome position (GRCh38, 1-based): chr16:30,713,375-30,713,380, CAGGTG deleted. VCF-style (leftmost placement, unchanged base first): chr16-30713374-ACAGGTG-A. GRCh37 (hg19) VCF-style: chr16-30724695-ACAGGTG-A.
Identifiers: ClinVar variation 3358948 (VCV003358948.2).